The following is an entry in ClinVar:

ClinVar aggregate classification (germline): Benign (1 of 4 stars; one submission).

Conditions:
Familial cancer of breast. Also called: Hereditary breast cancer; BREAST CANCER, FAMILIAL; hereditary breast carcinoma. Identifiers: Orphanet 227535, MedGen C0346153, MONDO:0016419, OMIM 114480. Disease mechanism: loss of function.

Submission:

Myriad Genetics, Inc.
Classification: Benign for Familial cancer of breast. Last evaluated: 2024-10-08. Review status: criteria provided, single submitter. Criteria: Myriad Autosomal Dominant, Autosomal Recessive and X-Linked Classification Criteria (2023). Collection method: clinical testing. Allele origin: unknown.
Comment: This variant is considered benign. This variant is a silent/synonymous amino acid change and it is not expected to impact splicing.

NM_007194.4(CHEK2):c.1494T>G (p.Leu498=)

Gene: CHEK2 (checkpoint kinase 2; minus strand). Cytogenetic location: 22q12.1.
Variant type: single nucleotide variant.
Coding change: c.1494T>G on transcript NM_007194.4 (MANE Select); coding-DNA position 1494, T replaced by G.
Protein change: p.Leu498=; no amino-acid change (leucine 498 retained).
Molecular consequence: synonymous variant.
Genome position (GRCh38, 1-based): chr22:28,689,183, A>C on the plus strand (T>G on the coding strand, the complement: CHEK2 is on the minus strand). VCF-style: chr22-28689183-A-C. GRCh37 (hg19) VCF-style: chr22-29085171-A-C.
Other names: c.1623T>G, p.Leu541= (NM_001005735.3); c.831T>G, p.Leu277= (NM_001257387.3); c.1293T>G, p.Leu431= (NM_001349956.3); c.1407T>G, p.Leu469= (NM_145862.3).
Identifiers: ClinVar variation 3772738 (VCV003772738.1).